The following is an entry in ClinVar:

NM_130797.4(DPP6):c.1299+179C>G

Gene: DPP6 (dipeptidyl peptidase like 6; plus strand). Cytogenetic location: 7q36.2.
Variant type: single nucleotide variant.
Coding change: c.1299+179C>G on transcript NM_130797.4 (MANE Select); 179 bases into the intron after coding-DNA position 1299, C replaced by G.
Molecular consequence: intron variant. On other transcripts: missense variant (1).
Genome position (GRCh38, 1-based): chr7:154,796,062, C>G. VCF-style: chr7-154796062-C-G. GRCh37 (hg19) VCF-style: chr7-154587772-C-G.
Other names: c.1286C>G, p.Pro429Arg (NM_001364501.2); c.1116+179C>G (NM_001364500.2, NM_001364499.2, NM_001364497.2 and 1 more transcripts); c.1107+179C>G (NM_001039350.3); c.1113+179C>G (NM_001936.5); c.978+179C>G (NM_001290252.2); short protein forms P429R.
Identifiers: ClinVar variation 3054644 (VCV003054644.2), dbSNP rs575893791, ClinGen allele CA169254199.

ClinVar aggregate classification (germline): Likely benign (0 of 4 stars; one submission).

Conditions:
DPP6-related disorder. Also called: DPP6-related condition.

Allele frequency attached by ClinVar (database versions not stated): 1000 Genomes Project 30x 0.00047; 1000 Genomes Project 0.00060; gnomAD 0.00130; TOPMed 0.00134.
gnomAD v4.1: 288 of 962,382 alleles (0.03%); highest among the groups gnomAD compares: African/African-American, 0.42%; 1 homozygote.

Submission:

PreventionGenetics, part of Exact Sciences
Classification: Likely benign for DPP6-related condition. Last evaluated: 2022-03-02. Review status: no assertion criteria provided. Collection method: clinical testing. Allele origin: germline.
Comment: This variant is classified as likely benign based on ACMG/AMP sequence variant interpretation guidelines (Richards et al. 2015 PMID: 25741868, with internal and published modifications).